The following is an entry in ClinVar:

ClinVar aggregate classification (germline): Uncertain significance (1 of 4 stars; one submission).

Submission:

CeGaT Center for Human Genetics Tuebingen
Classification: Uncertain significance. Last evaluated: 2026-08-01. Review status: criteria provided, single submitter. Criteria: CeGaT Center For Human Genetics Tuebingen Variant Classification Criteria Version 2. Collection method: clinical testing. Allele origin: germline. Affected: yes. Observed: 1 variant allele.
Comment: CHD3: PM2, PP2, PP3

NM_001005273.3(CHD3):c.2941G>A (p.Glu981Lys)

Gene: CHD3 (chromodomain helicase DNA binding protein 3; plus strand). Cytogenetic location: 17p13.1.
Variant type: single nucleotide variant.
Coding change: c.2941G>A on transcript NM_001005273.3 (MANE Select); coding-DNA position 2941, G replaced by A.
Protein change: p.Glu981Lys; replaces glutamic acid 981 with lysine.
Molecular consequence: missense variant.
Genome position (GRCh38, 1-based): chr17:7,900,694, G>A. VCF-style: chr17-7900694-G-A. GRCh37 (hg19) VCF-style: chr17-7804012-G-A.
Other names: c.3118G>A, p.Glu1040Lys (NM_001005271.3, NM_001437504.1); c.3106G>A, p.Glu1036Lys (NM_001437507.1, NM_001437508.1, NM_001437509.1); c.2941G>A, p.Glu981Lys (NM_005852.4); short protein forms E1036K, E1040K, E981K.
Identifiers: ClinVar variation 5040560 (VCV005040560.1).